The following is an entry in ClinVar:

NM_001943.5(DSG2):c.1133A>G (p.Lys378Arg)

Gene: DSG2 (desmoglein 2; plus strand). Cytogenetic location: 18q12.1.
Variant type: single nucleotide variant.
Coding change: c.1133A>G on transcript NM_001943.5 (MANE Select); coding-DNA position 1133, A replaced by G.
Protein change: p.Lys378Arg; replaces lysine 378 with arginine.
Molecular consequence: missense variant.
Genome position (GRCh38, 1-based): chr18:31,531,105, A>G. VCF-style: chr18-31531105-A-G. GRCh37 (hg19) VCF-style: chr18-29111068-A-G.
Other names: short protein forms K378R.
Identifiers: ClinVar variation 3073598 (VCV003073598.1), dbSNP rs1214384597, ClinGen allele CA402138728.

ClinVar aggregate classification (germline): Uncertain significance (1 of 4 stars; one submission).

Conditions:
Arrhythmogenic right ventricular cardiomyopathy (ARVD). Also called: Arrhythmogenic right ventricular dysplasia; Cardiomyopathy, ARVC; Arrhythmogenic cardiomyopathy; Arrhythmogenic Right Ventricular Cardiomyopathy (ARVC). Identifiers: Orphanet 247, MedGen C0349788, MeSH D019571, MONDO:0016587. Disease mechanism: loss of function. Inheritance: Various modes of inheritance.

Allele frequency attached by ClinVar (database versions not stated): gnomAD 0.00001.

Submission:

All of Us Research Program, National Institutes of Health
Classification: Uncertain significance for Arrhythmogenic right ventricular cardiomyopathy. Last evaluated: 2023-10-02. Review status: criteria provided, single submitter. Criteria: ACMG Guidelines, 2015. Collection method: clinical testing. Allele origin: germline. Inheritance: Autosomal dominant inheritance. Observed: 1 variant allele, 1 heterozygote.
Comment: This missense variant replaces lysine with arginine at codon 378 of the DSG2 protein. Computational prediction suggests that this variant may not impact protein structure and function (internally defined REVEL score threshold <= 0.5, PMID: 27666373). To our knowledge, functional studies have not been reported for this variant. This variant has not been reported in individuals affected with DSG2-related disorders in the literature. This variant has been identified in 1/31402 chromosomes in the general population by the Genome Aggregation Database (gnomAD). The available evidence is insufficient to determine the role of this variant in disease conclusively. Therefore, this variant is classified as a Variant of Uncertain Significance.

This study involves interpretation of variants in research participants for the purpose of population health screening. Participant phenotype was not available at the time of variant classification. Additional details can be found in publication PMID: 35346344, PMCID: PMC8962531